The following is an entry in ClinVar:

ClinVar aggregate classification (germline): Benign/Likely benign. Review status: criteria provided, multiple submitters, no conflicts (2 of 4 stars). 7 submissions from 7 submitters: Benign (3); Likely benign (4). Last evaluated 2026-01-18.

Conditions:
Amyotrophic neuralgia (HNA). Also called: Hereditary Brachial Plexus Neuropathy; Neuritis with Brachial Predilection; AMYOTROPHY, HEREDITARY NEURALGIC; AMYOTROPHY, HEREDITARY NEURALGIC, WITH PREDILECTION FOR BRACHIAL PLEXUS. Identifiers: Orphanet 2901, MedGen C1834304, MONDO:0008076, OMIM 162100.

Allele frequency attached by ClinVar (database versions not stated): gnomAD 0.00019 and 0.00021; TOPMed 0.00023; ESP Exome Variant Server 0.00024.
gnomAD v4.1: 500 of 1,613,982 alleles (0.031%); highest among the groups gnomAD compares: Admixed American, 0.042%; no homozygotes.

Submissions (7):

Labcorp Genetics (formerly Invitae), Labcorp
Classification: Likely benign. Last evaluated: 2026-01-18. Review status: criteria provided, single submitter. Criteria: Invitae Variant Classification Sherloc (09022015). Collection method: clinical testing. Allele origin: germline.

Women's Health and Genetics/Laboratory Corporation of America, LabCorp
Classification: Benign. Last evaluated: 2025-10-09. Review status: criteria provided, single submitter. Criteria: LabCorp Variant Classification Summary - May 2015. Collection method: clinical testing. Allele origin: germline.
Comment: Variant summary: SEPTIN9 c.1344G>A alters a conserved nucleotide resulting in a synonymous change. Consensus agreement among computation tools predict no significant impact on normal splicing. However, these predictions have yet to be confirmed by functional studies. The variant allele was found at a frequency of 0.00021 in 280932 control chromosomes. The observed variant frequency exceeds the estimated maximal expected allele frequency for disease-causing variants in SEPTIN9. To our knowledge, no occurrence of c.1344G>A in individuals affected with SEPTIN9-related conditions and no experimental evidence demonstrating its impact on protein function have been reported. ClinVar contains an entry for this variant (Variation ID: 739231). Based on the evidence outlined above, the variant was classified as benign.

Blueprint Genetics
Classification: Likely benign. Last evaluated: 2024-08-14. Review status: criteria provided, single submitter. Criteria: ACMG Guidelines, 2015. Collection method: clinical testing. Allele origin: germline.

CeGaT Center for Human Genetics Tuebingen
Classification: Likely benign. Last evaluated: 2024-07-01. Review status: criteria provided, single submitter. Criteria: CeGaT Center For Human Genetics Tuebingen Variant Classification Criteria Version 2. Collection method: clinical testing. Allele origin: germline. Affected: yes. Observed: 3 variant alleles.
Comment: SEPTIN9: BP4, BP7

Genome-Nilou Lab
Classification: Benign for Amyotrophic neuralgia. Last evaluated: 2021-12-05. Review status: criteria provided, single submitter. Criteria: ACMG Guidelines, 2015. Collection method: clinical testing. Allele origin: germline. Affected: no.

GeneDx
Classification: Likely benign. Last evaluated: 2019-04-02. Review status: criteria provided, single submitter. Criteria: GeneDx Variant Classification Process June 2021. Collection method: clinical testing. Allele origin: germline. Affected: yes.
Comment: See Variant Classification Assertion Criteria.

Illumina Laboratory Services, Illumina
Classification: Benign for Amyotrophy, hereditary neuralgic. Last evaluated: 2018-01-13. Review status: criteria provided, single submitter. Criteria: ICSL Variant Classification Criteria 13 December 2019. Collection method: clinical testing. Allele origin: germline.
Comment: This variant was observed in the ICSL laboratory as part of a predisposition screen in an ostensibly healthy population. It had not been previously curated by ICSL or reported in the Human Gene Mutation Database (HGMD: prior to June 1st, 2018), and was therefore a candidate for classification through an automated scoring system. Utilizing variant allele frequency, disease prevalence and penetrance estimates, and inheritance mode, an automated score was calculated to assess if this variant is too frequent to cause the disease. Based on the score and internal cut-off values, a variant classified as benign is not then subjected to further curation. The score for this variant resulted in a classification of benign for this disease.

NM_001113491.2(SEPTIN9):c.1398G>A (p.Leu466=)

Gene: SEPTIN9 (septin 9; plus strand). Cytogenetic location: 17q25.3.
Variant type: single nucleotide variant.
Coding change: c.1398G>A on transcript NM_001113491.2 (MANE Select); coding-DNA position 1398, G replaced by A.
Protein change: p.Leu466=; no amino-acid change (leucine 466 retained).
Molecular consequence: synonymous variant.
Genome position (GRCh38, 1-based): chr17:77,492,638, G>A. VCF-style: chr17-77492638-G-A. GRCh37 (hg19) VCF-style: chr17-75488720-G-A.
Other names: c.906G>A, p.Leu302= (NM_001113492.2, NM_001113494.1); c.1377G>A, p.Leu459= (NM_001113493.2); c.645G>A, p.Leu215= (NM_001113495.2, NM_001113496.2, NM_001293697.2 and 1 more transcripts); c.1341G>A, p.Leu447= (NM_001293695.2); c.726G>A, p.Leu242= (NM_001293696.2); c.1344G>A, p.Leu448= (NM_006640.5).
Identifiers: ClinVar variation 739231 (VCV000739231.52), dbSNP rs375450011, ClinGen allele CA8793787.
Genomic context (GRCh38, chr17:77,492,638, plus strand): 5'-CTTGCCACAGGGATGGGCCCATCTCTCTCCCTCCTTATCCCAGATCACCGCAGACCTGCT[G>A]TCCAACGGCATCGACGTGTACCCCCAGAAGGAATTTGATGAGGACTCGGAGGACCGGCTG-3'
Protein context (NP_001106963.1, residues 456-476): HFKQRITADL[Leu466=]SNGIDVYPQK